The following is an entry in ClinVar:

NM_024675.4(PALB2):c.2128A>G (p.Thr710Ala)

Gene: PALB2 (partner and localizer of BRCA2; minus strand). Cytogenetic location: 16p12.2.
Variant type: single nucleotide variant.
Coding change: c.2128A>G on transcript NM_024675.4 (MANE Select); coding-DNA position 2128, A replaced by G.
Protein change: p.Thr710Ala; replaces threonine 710 with alanine.
Molecular consequence: missense variant.
Genome position (GRCh38, 1-based): chr16:23,630,026, T>C on the plus strand (A>G on the coding strand, the complement: PALB2 is on the minus strand). VCF-style: chr16-23630026-T-C. GRCh37 (hg19) VCF-style: chr16-23641347-T-C.
Other names: p.T710A:ACG>GCG; short protein forms T710A.
Identifiers: ClinVar variation 182765 (VCV000182765.37), dbSNP rs730881887, ClinGen allele CA299722.

ClinVar aggregate classification (germline): Conflicting classifications of pathogenicity. Review status: criteria provided, conflicting classifications (1 of 4 stars). 12 submissions from 12 submitters: Uncertain significance (8); Likely benign (2). 2 of the submissions do not count toward it. Last evaluated 2026-03-31.

Conditions:
PALB2-related disorder. Also called: PALB2-related condition; PALB2-related disorders.
Hereditary cancer-predisposing syndrome. Also called: Neoplastic Syndromes, Hereditary; Tumor predisposition; Hereditary neoplastic syndrome; Hereditary Cancer Syndrome. Identifiers: Orphanet 140162, MedGen C0027672, MeSH D009386, MONDO:0015356.
Familial cancer of breast. Also called: Hereditary breast cancer; BREAST CANCER, FAMILIAL; hereditary breast carcinoma. Identifiers: Orphanet 227535, MedGen C0346153, MONDO:0016419, OMIM 114480. Disease mechanism: loss of function.
Pancreatic cancer, susceptibility to, 3. Identifiers: Orphanet 1333, MedGen C3150547, MONDO:0013236, OMIM 613348.
Fanconi anemia complementation group N. Also called: PALB2-Related Fanconi Anemia. Identifiers: Orphanet 84, MedGen C1835817, MONDO:0012565, OMIM 610832. Disease mechanism: loss of function.

Allele frequency attached by ClinVar (database versions not stated): gnomAD exomes below 0.00001; gnomAD 0.00007 and 0.00008; TOPMed 0.00007.
gnomAD v4.1: 18 of 1,614,062 alleles (0.0011%); highest among the groups gnomAD compares: African/African-American, 0.021%; no homozygotes.

Submissions (12):

PreventionGenetics, part of Exact Sciences
Classification: Uncertain significance for PALB2-related condition. Last evaluated: 2026-03-31. Review status: criteria provided, single submitter. Criteria: ACMG Guidelines, 2015. Collection method: clinical testing. Allele origin: germline.
Comment: The PALB2 c.2128A>G variant is predicted to result in the amino acid substitution p.Thr710Ala. To our knowledge, this variant has not been reported in the literature. This variant is reported in 0.023% of alleles in individuals of African descent in gnomAD and has conflicting interpretations regarding its pathogenicity in ClinVar, ranging from likely benign to uncertain (Variation ID: 182765). Although we suspect that this variant may be benign, at this time, the clinical significance of this variant is uncertain due to the absence of conclusive functional and genetic evidence.

Labcorp Genetics (formerly Invitae), Labcorp
Classification: Uncertain significance for Familial cancer of breast. Last evaluated: 2026-01-25. Review status: criteria provided, single submitter. Criteria: Invitae Variant Classification Sherloc (09022015). Collection method: clinical testing. Allele origin: germline.
Comment: This sequence change replaces threonine, which is neutral and polar, with alanine, which is neutral and non-polar, at codon 710 of the PALB2 protein (p.Thr710Ala). This variant is present in population databases (rs730881887, gnomAD 0.02%). This variant has not been reported in the literature in individuals affected with PALB2-related conditions. ClinVar contains an entry for this variant (Variation ID: 182765). Invitae Evidence Modeling of protein sequence and biophysical properties (such as structural, functional, and spatial information, amino acid conservation, physicochemical variation, residue mobility, and thermodynamic stability) indicates that this missense variant is not expected to disrupt PALB2 protein function with a negative predictive value of 80%. In summary, the available evidence is currently insufficient to determine the role of this variant in disease. Therefore, it has been classified as a Variant of Uncertain Significance.

GeneDx
Classification: Uncertain significance. Last evaluated: 2024-10-02. Review status: criteria provided, single submitter. Criteria: GeneDx Variant Classification Process June 2021. Collection method: clinical testing. Allele origin: germline. Affected: yes.
Comment: In silico analysis supports that this missense variant has a deleterious effect on protein structure/function; Has not been previously published as pathogenic or benign to our knowledge; This variant is associated with the following publications: (PMID: 22941656, 25085752)

Quest Diagnostics Nichols Institute San Juan Capistrano
Classification: Uncertain significance. Last evaluated: 2024-06-10. Review status: criteria provided, single submitter. Criteria: Quest Diagnostics criteria. Collection method: clinical testing. Allele origin: unknown.
Comment: The PALB2 c.2128A>G (p.Thr710Ala) variant has not been reported in individuals with PALB2-related conditions in the published literature. The frequency of this variant in the general population, 0.000064 (2/31398 chromosomes (Genome Aggregation Database)), is uninformative in the assessment of its pathogenicity. Analysis of this variant using bioinformatics tools for the prediction of the effect of amino acid changes on protein structure and function yielded conflicting predictions that this variant is benign or damaging. Based on the available information, we are unable to determine the clinical significance of this variant.

Ambry Genetics
Classification: Likely benign for Hereditary cancer-predisposing syndrome. Last evaluated: 2024-05-01. Review status: criteria provided, single submitter. Criteria: Ambry Variant Classification Scheme 2023. Collection method: clinical testing. Allele origin: germline.

Baylor Genetics
Classification: Uncertain significance for Familial cancer of breast. Last evaluated: 2024-02-13. Review status: criteria provided, single submitter. Criteria: ACMG Guidelines, 2015. Collection method: clinical testing. Allele origin: unknown.

Color Diagnostics, LLC DBA Color Health
Classification: Uncertain significance for Hereditary cancer-predisposing syndrome. Last evaluated: 2023-09-25. Review status: criteria provided, single submitter. Criteria: ACMG Guidelines, 2015. Collection method: clinical testing. Allele origin: germline.
Comment: This missense variant replaces threonine with alanine at codon 710 of the PALB2 protein. Computational prediction suggests that this variant may not impact protein structure and function (internally defined REVEL score threshold <= 0.5, PMID: 27666373). To our knowledge, functional studies have not been reported for this variant. This variant has not been reported in individuals affected with hereditary cancer in the literature. This variant has been identified in 2/31398 chromosomes in the general population by the Genome Aggregation Database (gnomAD) and in 3/2559 African American women older than age 70 years with no personal history of cancer (FLOSSIES). Although there is a suspicion that this variant may not be associated with disease, additional studies are necessary to determine the role of this variant in disease conclusively. Therefore, this variant is classified as a Variant of Uncertain Significance

Myriad Genetics, Inc.
Classification: Likely benign for Familial cancer of breast. Last evaluated: 2023-03-30. Review status: criteria provided, single submitter. Criteria: Myriad Autosomal Dominant, Autosomal Recessive and X-Linked Classification Criteria (2023). Collection method: clinical testing. Allele origin: unknown.
Comment: This variant is considered likely benign. This variant is strongly associated with less severe personal and family histories of cancer, typical for individuals without pathogenic variants in this gene [PMID: 25085752].

Fulgent Genetics
Classification: Uncertain significance for Familial cancer of breast; Fanconi anemia complementation group N; Pancreatic cancer, susceptibility to, 3. Last evaluated: 2022-02-26. Review status: criteria provided, single submitter. Criteria: ACMG Guidelines, 2015. Collection method: clinical testing. Allele origin: unknown.

Women's Health and Genetics/Laboratory Corporation of America, LabCorp
Classification: Uncertain significance. Last evaluated: 2018-11-19. Review status: criteria provided, single submitter. Criteria: LabCorp Variant Classification Summary - May 2015. Collection method: clinical testing. Allele origin: germline.
Comment: Variant summary: PALB2 c.2128A>G (p.Thr710Ala) results in a non-conservative amino acid change in the encoded protein sequence. Three of five in-silico tools predict a damaging effect of the variant on protein function. The variant allele was found at a frequency of 6.5e-05 in 30974 control chromosomes. The available data on variant occurrences in the general population are insufficient to allow any conclusion about variant significance. To our knowledge, no occurrence of c.2128A>G in individuals affected with Hereditary Breast and Ovarian Cancer and no experimental evidence demonstrating its impact on protein function have been reported. Five clinical diagnostic laboratories have submitted clinical-significance assessments for this variant to ClinVar after 2014 without evidence for independent evaluation. All laboratories classified the variant as uncertain significance. Based on the evidence outlined above, the variant was classified as uncertain significance.

Genetic Services Laboratory, University of Chicago
Classification: Uncertain significance. Last evaluated: 2022-09-07. Review status: no assertion criteria provided. Collection method: clinical testing. Allele origin: germline. Affected: no. Not counted in ClinVar's aggregate classification.
Comment: DNA sequence analysis of the PALB2 gene demonstrated a sequence change, c.2128A>G, in exon 5 that results in an amino acid change, p.Thr710Ala. This sequence change does not appear to have been previously described in individuals with PALB2-related disorders. This sequence change has been described in the gnomAD database with a frequency of 0.006% in the overall population (dbSNP rs730881887). The p.Thr710Ala change affects a highly conserved amino acid residue. In-silico pathogenicity prediction tools (SIFT, PolyPhen2, Align GVGD, REVEL) provide contradictory results for the p.Thr710Ala substitution. Due to insufficient evidences and the lack of functional studies, the clinical significance of the p.Thr710Ala change remains unknown at this time.

Counsyl
Classification: Uncertain significance for Familial cancer of breast. Last evaluated: 2017-11-14. Review status: no assertion criteria provided. Collection method: clinical testing. Allele origin: unknown. Not counted in ClinVar's aggregate classification.

Literature cited by the submitters: PubMed 25085752 (cited by Myriad Genetics, Inc.).